The following is an entry in ClinVar:

NM_001370259.2(MEN1):c.-18C>T

Gene: MEN1 (menin 1; minus strand). Cytogenetic location: 11q13.1.
Variant type: single nucleotide variant.
Coding change: c.-18C>T on transcript NM_001370259.2 (MANE Select); 18 bases upstream of the start codon, C replaced by T.
Molecular consequence: 5 prime UTR variant. On other transcripts: non-coding transcript variant (4).
Genome position (GRCh38, 1-based): chr11:64,810,127, G>A on the plus strand (C>T on the coding strand, the complement: MEN1 is on the minus strand). VCF-style: chr11-64810127-G-A. GRCh37 (hg19) VCF-style: chr11-64577599-G-A.
Other names: c.-18C>T (NM_000244.4, NM_001370251.2, NM_001370260.2 and 20 more transcripts).
Identifiers: ClinVar variation 3050279 (VCV003050279.2), dbSNP rs938023447, ClinGen allele CA223917378.
Genomic context (GRCh38, chr11:64,810,127, plus strand): 5'-AGCGCAGCGGGAACAGCGTCTTCTGGGCGGCCTTCAGCCCCATGGCGGCGGGCGGTGGGC[G>A]GCGGCCTGCAAGGCAAGCCGGGGGAGGGAGGGTCGGGCAGGTTCGGCCGGGGAGCCTCCT-3'

ClinVar aggregate classification (germline): Likely benign (0 of 4 stars; one submission).

Conditions:
MEN1-related disorder. Also called: MEN1-related condition.

Allele frequency attached by ClinVar (database versions not stated): gnomAD 0.00003.
gnomAD v4.1: 33 of 1,527,834 alleles (0.0022%); highest among the groups gnomAD compares: Middle Eastern, 0.021%; no homozygotes.

Submission:

PreventionGenetics, part of Exact Sciences
Classification: Likely benign for MEN1-related condition. Last evaluated: 2019-07-17. Review status: no assertion criteria provided. Collection method: clinical testing. Allele origin: germline.
Comment: This variant is classified as likely benign based on ACMG/AMP sequence variant interpretation guidelines (Richards et al. 2015 PMID: 25741868, with internal and published modifications).